The following is an entry in ClinVar:

ClinVar aggregate classification (germline): Uncertain significance (1 of 4 stars; one submission).

Conditions:
Developmental and epileptic encephalopathy, 1 (DEE1). Also called: INFANTILE SPASM SYNDROME, X-LINKED 1; X-linked infantile spasms; West's syndrome; Tonic spasms with clustering, arrest of psychomotor development and hypsarrhythmia on EEG; X-Linked Infantile Spasm Syndrome; OHTAHARA SYNDROME, X-LINKED. Identifiers: MedGen C3463992, MONDO:0010632, OMIM 308350. Disease mechanism: loss of function.
Intellectual disability, X-linked, with or without seizures, ARX-related. Also called: MENTAL RETARDATION, X-LINKED 29; MENTAL RETARDATION, X-LINKED 32; MENTAL RETARDATION, X-LINKED 33; MENTAL RETARDATION, X-LINKED 38; MENTAL RETARDATION, X-LINKED 43; MENTAL RETARDATION, X-LINKED 76. Identifiers: Orphanet 777, MedGen C0796244, MONDO:0010317, OMIM 300419.

Submission:

Labcorp Genetics (formerly Invitae), Labcorp
Classification: Uncertain significance for Developmental and epileptic encephalopathy, 1; Intellectual disability, X-linked, with or without seizures, ARX-related. Last evaluated: 2025-11-09. Review status: criteria provided, single submitter. Criteria: Invitae Variant Classification Sherloc (09022015). Collection method: clinical testing. Allele origin: germline.
Comment: This sequence change replaces proline, which is neutral and non-polar, with alanine, which is neutral and non-polar, at codon 424 of the ARX protein (p.Pro424Ala). This variant is not present in population databases (gnomAD no frequency). This variant has not been reported in the literature in individuals affected with ARX-related conditions. ClinVar contains an entry for this variant (Variation ID: 1507326). Invitae Evidence Modeling of protein sequence and biophysical properties (such as structural, functional, and spatial information, amino acid conservation, physicochemical variation, residue mobility, and thermodynamic stability) indicates that this missense variant is not expected to disrupt ARX protein function with a negative predictive value of 80%. In summary, the available evidence is currently insufficient to determine the role of this variant in disease. Therefore, it has been classified as a Variant of Uncertain Significance.

NM_139058.3(ARX):c.1270C>G (p.Pro424Ala)

Gene: ARX (aristaless related homeobox; minus strand). Cytogenetic location: Xp21.3.
Variant type: single nucleotide variant.
Coding change: c.1270C>G on transcript NM_139058.3 (MANE Select); coding-DNA position 1270, C replaced by G.
Protein change: p.Pro424Ala; replaces proline 424 with alanine.
Molecular consequence: missense variant.
Genome position (GRCh38, 1-based): chrX:25,007,289, G>C on the plus strand (C>G on the coding strand, the complement: ARX is on the minus strand). VCF-style: chrX-25007289-G-C. GRCh37 (hg19) VCF-style: chrX-25025406-G-C.
Other names: short protein forms P424A.
Identifiers: ClinVar variation 1507326 (VCV001507326.6), dbSNP rs2147320496, ClinGen allele CA412611364.
Genomic context (GRCh38, chrX:25,007,289, plus strand): 5'-GGCTCGGGAAGGCGGCGGCGGCGGCGGCGGCAGCGGCAGTCCAAGCGGAGTCGAGCGCCG[G>C]GTGGTGCGGAGGGAAGGGGCTGGCGTCCAGGTAGGGGCTGAGCGGGTGGGTGGCGGAGAG-3'
Protein context (NP_620689.1, residues 414-434): LDASPFPPHH[Pro424Ala]ALDSAWTAAA